The following is an entry in ClinVar:

ClinVar aggregate classification (germline): Uncertain significance. Review status: criteria provided, multiple submitters, no conflicts (2 of 4 stars). 4 submissions from 3 submitters: Uncertain significance (4). Last evaluated 2023-02-08.

Conditions:
Familial cutaneous telangiectasia and oropharyngeal predisposition cancer syndrome. Identifiers: Orphanet 313846, MedGen C3281203, MONDO:0013806, OMIM 614564.
Seckel syndrome 1 (SCKL1). Also called: MICROCEPHALIC PRIMORDIAL DWARFISM I. Identifiers: Orphanet 808, MedGen C4551474, MONDO:0008869, OMIM 210600.
Inborn genetic diseases. Identifiers: MedGen C0950123, MeSH D030342.

Submissions (4):

Genome-Nilou Lab
Classification: Uncertain significance for Seckel syndrome 1. Last evaluated: 2023-02-08. Review status: criteria provided, single submitter. Criteria: ACMG Guidelines, 2015. Collection method: clinical testing. Allele origin: germline.

Genome-Nilou Lab
Classification: Uncertain significance for Familial cutaneous telangiectasia and oropharyngeal predisposition cancer syndrome. Last evaluated: 2023-02-08. Review status: criteria provided, single submitter. Criteria: ACMG Guidelines, 2015. Collection method: clinical testing. Allele origin: germline.

Ambry Genetics
Classification: Uncertain significance for Inborn genetic diseases. Last evaluated: 2021-10-18. Review status: criteria provided, single submitter. Criteria: Ambry Variant Classification Scheme 2023. Collection method: clinical testing. Allele origin: germline.
Comment: The p.L1633I variant (also known as c.4897C>A), located in coding exon 28 of the ATR gene, results from a C to A substitution at nucleotide position 4897. The leucine at codon 1633 is replaced by isoleucine, an amino acid with highly similar properties. This amino acid position is conserved. In addition, this alteration is predicted to be tolerated by in silico analysis. Since supporting evidence is limited at this time, the clinical significance of this alteration remains unclear.

Labcorp Genetics (formerly Invitae), Labcorp
Classification: Uncertain significance. Last evaluated: 2020-02-02. Review status: criteria provided, single submitter. Criteria: Invitae Variant Classification Sherloc (09022015). Collection method: clinical testing. Allele origin: germline.
Comment: In summary, the available evidence is currently insufficient to determine the role of this variant in disease. Therefore, it has been classified as a Variant of Uncertain Significance. Algorithms developed to predict the effect of missense changes on protein structure and function are either unavailable or do not agree on the potential impact of this missense change (SIFT: "Deleterious"; PolyPhen-2: "Possibly Damaging"; Align-GVGD: "Class C0"). This variant has not been reported in the literature in individuals with ATR-related conditions. This variant is not present in population databases (ExAC no frequency). This sequence change replaces leucine with isoleucine at codon 1633 of the ATR protein (p.Leu1633Ile). The leucine residue is highly conserved and there is a small physicochemical difference between leucine and isoleucine.

NM_001184.4(ATR):c.4897C>A (p.Leu1633Ile)

Gene: ATR (ATR checkpoint kinase; minus strand). Cytogenetic location: 3q23.
Variant type: single nucleotide variant.
Coding change: c.4897C>A on transcript NM_001184.4 (MANE Select); coding-DNA position 4897, C replaced by A.
Protein change: p.Leu1633Ile; replaces leucine 1633 with isoleucine.
Molecular consequence: missense variant.
Genome position (GRCh38, 1-based): chr3:142,508,065, G>T on the plus strand (C>A on the coding strand, the complement: ATR is on the minus strand). VCF-style: chr3-142508065-G-T. GRCh37 (hg19) VCF-style: chr3-142226907-G-T.
Other names: c.4705C>A, p.Leu1569Ile (NM_001354579.2); short protein forms L1569I, L1633I.
Identifiers: ClinVar variation 1025857 (VCV001025857.12), dbSNP rs4282075, ClinGen allele CA354820852.